The following is an entry in ClinVar:

ClinVar aggregate classification (germline): Uncertain significance. Review status: criteria provided, multiple submitters, no conflicts (2 of 4 stars). 2 submissions from 2 submitters: Uncertain significance (2). Last evaluated 2025-06-12.

Conditions:
Inborn genetic diseases. Identifiers: MedGen C0950123, MeSH D030342.

Allele frequency attached by ClinVar (database versions not stated): gnomAD exomes below 0.00001; ExAC 0.00001; gnomAD 0.00009; ESP Exome Variant Server 0.00008; TOPMed 0.00009.
gnomAD v4.1: 19 of 1,594,974 alleles (0.0012%); highest among the groups gnomAD compares: African/African-American, 0.025%; no homozygotes.

Submissions (2):

Labcorp Genetics (formerly Invitae), Labcorp
Classification: Uncertain significance. Last evaluated: 2025-06-12. Review status: criteria provided, single submitter. Criteria: Invitae Variant Classification Sherloc (09022015). Collection method: clinical testing. Allele origin: germline.
Comment: This sequence change replaces lysine, which is basic and polar, with threonine, which is neutral and polar, at codon 516 of the ROBO1 protein (p.Lys516Thr). This variant is present in population databases (rs374766026, gnomAD 0.02%). This variant has not been reported in the literature in individuals affected with ROBO1-related conditions. ClinVar contains an entry for this variant (Variation ID: 2527530). An algorithm developed to predict the effect of missense changes on protein structure and function (PolyPhen-2) suggests that this variant is likely to be disruptive. In summary, the available evidence is currently insufficient to determine the role of this variant in disease. Therefore, it has been classified as a Variant of Uncertain Significance.

Ambry Genetics
Classification: Uncertain significance for Inborn genetic diseases. Last evaluated: 2023-03-21. Review status: criteria provided, single submitter. Criteria: Ambry Variant Classification Scheme 2023. Collection method: clinical testing. Allele origin: germline.

NM_002941.4(ROBO1):c.1547A>C (p.Lys516Thr)

Gene: ROBO1 (roundabout guidance receptor 1; minus strand). Cytogenetic location: 3p12.3.
Variant type: single nucleotide variant.
Coding change: c.1547A>C on transcript NM_002941.4 (MANE Select); coding-DNA position 1547, A replaced by C.
Protein change: p.Lys516Thr; replaces lysine 516 with threonine.
Molecular consequence: missense variant.
Genome position (GRCh38, 1-based): chr3:78,670,097, T>G on the plus strand (A>C on the coding strand, the complement: ROBO1 is on the minus strand). VCF-style: chr3-78670097-T-G. GRCh37 (hg19) VCF-style: chr3-78719247-T-G.
Other names: c.1439A>C, p.Lys480Thr (NM_001145844.1, NM_001145845.2, NM_133631.4); short protein forms K516T, K480T.
Identifiers: ClinVar variation 2527530 (VCV002527530.4), dbSNP rs374766026, ClinGen allele CA2498943.